The following is an entry in ClinVar:

ClinVar aggregate classification (germline): Uncertain significance. Review status: criteria provided, multiple submitters, no conflicts (2 of 4 stars). 2 submissions from 2 submitters: Uncertain significance (2). Last evaluated 2023-05-17.

Conditions:
Inborn genetic diseases. Identifiers: MedGen C0950123, MeSH D030342.

Submissions (2):

Ambry Genetics
Classification: Uncertain significance for Inborn genetic diseases. Last evaluated: 2023-05-17. Review status: criteria provided, single submitter. Criteria: Ambry Variant Classification Scheme 2023. Collection method: clinical testing. Allele origin: germline.

Labcorp Genetics (formerly Invitae), Labcorp
Classification: Uncertain significance. Last evaluated: 2023-03-16. Review status: criteria provided, single submitter. Criteria: Invitae Variant Classification Sherloc (09022015). Collection method: clinical testing. Allele origin: germline.
Comment: Advanced modeling of protein sequence and biophysical properties (such as structural, functional, and spatial information, amino acid conservation, physicochemical variation, residue mobility, and thermodynamic stability) performed at Invitae indicates that this missense variant is not expected to disrupt ITM2B protein function. This variant has not been reported in the literature in individuals affected with ITM2B-related conditions. This variant is not present in population databases (gnomAD no frequency). This sequence change replaces lysine, which is basic and polar, with glutamine, which is neutral and polar, at codon 77 of the ITM2B protein (p.Lys77Gln). In summary, the available evidence is currently insufficient to determine the role of this variant in disease. Therefore, it has been classified as a Variant of Uncertain Significance.

NM_021999.5(ITM2B):c.229A>C (p.Lys77Gln)

Gene: ITM2B (integral membrane protein 2B; plus strand). Cytogenetic location: 13q14.2.
Variant type: single nucleotide variant.
Coding change: c.229A>C on transcript NM_021999.5 (MANE Select); coding-DNA position 229, A replaced by C.
Protein change: p.Lys77Gln; replaces lysine 77 with glutamine.
Molecular consequence: missense variant.
Genome position (GRCh38, 1-based): chr13:48,253,919, A>C. VCF-style: chr13-48253919-A-C. GRCh37 (hg19) VCF-style: chr13-48828055-A-C.
Other names: short protein forms K77Q.
Identifiers: ClinVar variation 2548111 (VCV002548111.5), dbSNP rs1249159990, ClinGen allele CA388250959.